The following is an entry in ClinVar:

NM_018489.3(ASH1L):c.8012G>T (p.Arg2671Leu)

Gene: ASH1L (ASH1 like histone lysine methyltransferase; minus strand). Cytogenetic location: 1q22.
Variant type: single nucleotide variant.
Coding change: c.8012G>T on transcript NM_018489.3 (MANE Select); coding-DNA position 8012, G replaced by T.
Protein change: p.Arg2671Leu; replaces arginine 2671 with leucine.
Molecular consequence: missense variant.
Genome position (GRCh38, 1-based): chr1:155,343,712, C>A on the plus strand (G>T on the coding strand, the complement: ASH1L is on the minus strand). VCF-style: chr1-155343712-C-A. GRCh37 (hg19) VCF-style: chr1-155313503-C-A.
Other names: c.8027G>T, p.Arg2676Leu (NM_001366177.2); short protein forms R2671L, R2676L.
Identifiers: ClinVar variation 3367410 (VCV003367410.1).
Genomic context (GRCh38, chr1:155,343,712, plus strand): 5'-CGGTTAATGTGAGATAACAGTCGATAGGACTGACGGACCGGGTGGCCATCAGGGGTGCGC[C>A]GACTATCCCTCATCAGATACACACAGTCACCTAGGAAGACCCAGAACACAGAAGAAACAT-3'
Protein context (NP_060959.2, residues 2661-2681): GDCVYLMRDS[Arg2671Leu]RTPDGHPVRQ

ClinVar aggregate classification (germline): Uncertain significance (1 of 4 stars; one submission).

Submission:

GeneDx
Classification: Uncertain significance. Last evaluated: 2024-01-07. Review status: criteria provided, single submitter. Criteria: GeneDx Variant Classification Process June 2021. Collection method: clinical testing. Allele origin: germline. Affected: yes.
Comment: Not observed at significant frequency in large population cohorts (gnomAD); In silico analysis supports that this missense variant has a deleterious effect on protein structure/function; Has not been previously published as pathogenic or benign to our knowledge